The following is an entry in ClinVar:

NM_001621.5(AHR):c.2275A>G (p.Ile759Val)

Gene: AHR (aryl hydrocarbon receptor; plus strand). Cytogenetic location: 7p21.1.
Variant type: single nucleotide variant.
Coding change: c.2275A>G on transcript NM_001621.5 (MANE Select); coding-DNA position 2275, A replaced by G.
Protein change: p.Ile759Val; replaces isoleucine 759 with valine.
Molecular consequence: missense variant.
Genome position (GRCh38, 1-based): chr7:17,340,100, A>G. VCF-style: chr7-17340100-A-G. GRCh37 (hg19) VCF-style: chr7-17379724-A-G.
Other names: short protein forms I759V.
Identifiers: ClinVar variation 1399687 (VCV001399687.5), dbSNP rs772485016, ClinGen allele CA4172252.

ClinVar aggregate classification (germline): Uncertain significance (1 of 4 stars; one submission).

Allele frequency attached by ClinVar (database versions not stated): gnomAD 0.00001; gnomAD exomes 0.00001 and 0.00003; ExAC 0.00003.
gnomAD v4.1: 25 of 1,614,066 alleles (0.0015%); highest among the groups gnomAD compares: Middle Eastern, 0.016%; no homozygotes.

Submission:

Labcorp Genetics (formerly Invitae), Labcorp
Classification: Uncertain significance. Last evaluated: 2024-11-18. Review status: criteria provided, single submitter. Criteria: Invitae Variant Classification Sherloc (09022015). Collection method: clinical testing. Allele origin: germline.
Comment: This sequence change replaces isoleucine, which is neutral and non-polar, with valine, which is neutral and non-polar, at codon 759 of the AHR protein (p.Ile759Val). This variant is present in population databases (rs772485016, gnomAD 0.009%). This variant has not been reported in the literature in individuals affected with AHR-related conditions. ClinVar contains an entry for this variant (Variation ID: 1399687). An algorithm developed to predict the effect of missense changes on protein structure and function outputs the following: PolyPhen-2: "Benign". The valine amino acid residue is found in multiple mammalian species, which suggests that this missense change does not adversely affect protein function. In summary, the available evidence is currently insufficient to determine the role of this variant in disease. Therefore, it has been classified as a Variant of Uncertain Significance.